The following is an entry in ClinVar:

ClinVar aggregate classification (germline): Pathogenic (1 of 4 stars; one submission).

Conditions:
Neuromuscular disease caused by qualitative or quantitative defects of dystrophin. Also called: Qualitative or quantitative defects of dystrophin. Identifiers: Orphanet 207085, MedGen C5679787, MONDO:0016147.

Submission:

Women's Health and Genetics/Laboratory Corporation of America, LabCorp
Classification: Pathogenic for Neuromuscular disease caused by qualitative or quantitative defects of dystrophin. Last evaluated: 2022-07-01. Review status: criteria provided, single submitter. Criteria: LabCorp Variant Classification Summary - May 2015. Collection method: clinical testing. Allele origin: germline.
Comment: Variant summary: The variant identified by MLPA or other technology involves the deletion of exons 47-50 in the DMD gene. A presumed nomenclature of c.(6762+1_6763-1)_(7309+1_7310-1)del has been designated for the purposes of this classification. Although exact breakpoints of this deletion are not known, it is expected to result in a frameshift in the DMD gene, a known mechanism of disease. The variant was absent in 16119 control chromosomes (gnomAD structural variants dataset). The variant, c.(6762+1_6763-1)_(7309+1_7310-1)del, has been reported in the literature in several individuals affected with Dystrophinopathies (e.g. Herczegfalvi_1999, Prior_2005, Zamani_2015, Polavarapu_2019). These data indicate that the variant is very likely to be associated with disease. To our knowledge, no experimental evidence demonstrating an impact on protein function has been reported. One clinical diagnostic laboratory has submitted clinical-significance assessments for this variant to ClinVar after 2014 without evidence for independent evaluation, and classified the variant as pathogenic. Based on the evidence outlined above, the variant was classified as pathogenic.

Literature cited by the submitters: PubMed 31139960; PubMed 16049303; PubMed 26081009; PubMed 10619712.

NC_000023.10:g.(31792310_31838091)_(31947863_31950196)del

Gene: DMD (dystrophin; minus strand). Cytogenetic location: Xp21.1.
Variant type: Deletion.
Identifiers: ClinVar variation 1704537 (VCV001704537.1).